The following is an entry in ClinVar:

NM_183357.3(ADCY5):c.989G>A (p.Trp330Ter)

Gene: ADCY5 (adenylate cyclase 5; minus strand). Cytogenetic location: 3q21.1.
Variant type: single nucleotide variant.
Coding change: c.989G>A on transcript NM_183357.3 (MANE Select); coding-DNA position 989, G replaced by A.
Protein change: p.Trp330Ter; replaces tryptophan 330 with a stop codon.
Molecular consequence: nonsense.
Genome position (GRCh38, 1-based): chr3:123,447,557, C>T on the plus strand (G>A on the coding strand, the complement: ADCY5 is on the minus strand). VCF-style: chr3-123447557-C-T. GRCh37 (hg19) VCF-style: chr3-123166404-C-T.
Other names: c.989G>A, p.Trp330Ter (NM_001378259.1); short protein forms W330*.
Identifiers: ClinVar variation 2626915 (VCV002626915.1), dbSNP rs1553751019, ClinGen allele CA354356191.
Genomic context (GRCh38, chr3:123,447,557, plus strand): 5'-GCGGCCCGCATGCGCACGGGCAGCAGCGTGTAGATGGTGTAGATGAAGAACACGGTCCAC[C>T]AGATGCCCTCAGAGGCGCTGCGTGGCTGCGGCAGCAGCAGGCCCACCACCTGGACGGCCA-3'

ClinVar aggregate classification (germline): Likely pathogenic (1 of 4 stars; one submission).

Conditions:
ADCY5-related disorder. Also called: ADCY5-related condition.

Submission:

Greenwood Genetic Center Diagnostic Laboratories, Greenwood Genetic Center
Classification: Likely pathogenic for ADCY5-related disorder. Last evaluated: 2023-09-01. Review status: criteria provided, single submitter. Criteria: ACMG Guidelines, 2015. Collection method: clinical testing. Allele origin: germline. Affected: yes.
Comment: PVS1, PM2